The following is an entry in ClinVar:

NM_001365951.3(KIF1B):c.4483G>A (p.Glu1495Lys)

Gene: KIF1B (kinesin family member 1B; plus strand). Cytogenetic location: 1p36.22.
Variant type: single nucleotide variant.
Coding change: c.4483G>A on transcript NM_001365951.3 (MANE Select); coding-DNA position 4483, G replaced by A.
Protein change: p.Glu1495Lys; replaces glutamic acid 1495 with lysine.
Molecular consequence: missense variant.
Genome position (GRCh38, 1-based): chr1:10,365,216, G>A. VCF-style: chr1-10365216-G-A. GRCh37 (hg19) VCF-style: chr1-10425274-G-A.
Other names: c.4483G>A, p.Glu1495Lys (NM_001365952.1); c.4345G>A, p.Glu1449Lys (NM_015074.3); short protein forms E1449K, E1495K.
Identifiers: ClinVar variation 4858866 (VCV004858866.1).

ClinVar aggregate classification (germline): Uncertain significance (1 of 4 stars; one submission).

gnomAD v4.1: 3 of 1,614,082 alleles (0.00019%); highest among the groups gnomAD compares: Non-Finnish European, 0.00025%; no homozygotes.

Submission:

Ambry Genetics
Classification: Uncertain significance. Last evaluated: 2026-05-15. Review status: criteria provided, single submitter. Criteria: Ambry Variant Classification Scheme 2023. Collection method: clinical testing. Allele origin: germline.
Comment: The p.E1449K variant (also known as c.4345G>A), located in coding exon 39 of the KIF1B gene, results from a G to A substitution at nucleotide position 4345. The glutamic acid at codon 1449 is replaced by lysine, an amino acid with similar properties. This amino acid position is conserved. In addition, the in silico prediction for this alteration is inconclusive. Based on the available evidence, the clinical significance of this variant remains unclear.